The following is an entry in ClinVar:

ClinVar aggregate classification (germline): Uncertain significance (1 of 4 stars; one submission).

Submission:

CeGaT Center for Human Genetics Tuebingen
Classification: Uncertain significance. Last evaluated: 2023-06-01. Review status: criteria provided, single submitter. Criteria: CeGaT Center For Human Genetics Tuebingen Variant Classification Criteria Version 2. Collection method: clinical testing. Allele origin: germline. Affected: yes. Observed: 1 variant allele.
Comment: SLC9A7: PM2

NM_001257291.2(SLC9A7):c.1373C>T (p.Ala458Val)

Gene: SLC9A7 (solute carrier family 9 member A7; minus strand). Cytogenetic location: Xp11.3.
Variant type: single nucleotide variant.
Coding change: c.1373C>T on transcript NM_001257291.2 (MANE Select); coding-DNA position 1373, C replaced by T.
Protein change: p.Ala458Val; replaces alanine 458 with valine.
Molecular consequence: missense variant.
Genome position (GRCh38, 1-based): chrX:46,648,775, G>A on the plus strand (C>T on the coding strand, the complement: SLC9A7 is on the minus strand). VCF-style: chrX-46648775-G-A. GRCh37 (hg19) VCF-style: chrX-46508210-G-A.
Other names: c.1370C>T, p.Ala457Val (NM_032591.3); short protein forms A457V, A458V.
Identifiers: ClinVar variation 2660390 (VCV002660390.24), dbSNP rs2519475143, ClinGen allele CA413035312.
Genomic context (GRCh38, chrX:46,648,775, plus strand): 5'-CAGCCAATCTTATGCCTTCTGCCCAAGTTGAGGAAGAAGGAGAGCGGGTAGATGTGCGCG[G>A]CTCTGCCCAGGAAGATGGCAACCTGACCACAAGGTAGAAGGTTAAGGGACCAACAGTTTC-3'
Protein context (NP_001244220.1, residues 448-468): GAFVAIFLGR[Ala458Val]AHIYPLSFFL